The following is an entry in ClinVar:

NM_005560.6(LAMA5):c.5276G>A (p.Arg1759His)

Gene: LAMA5 (laminin subunit alpha 5; minus strand). Cytogenetic location: 20q13.33.
Variant type: single nucleotide variant.
Coding change: c.5276G>A on transcript NM_005560.6 (MANE Select); coding-DNA position 5276, G replaced by A.
Protein change: p.Arg1759His; replaces arginine 1759 with histidine.
Molecular consequence: missense variant.
Genome position (GRCh38, 1-based): chr20:62,326,699, C>T on the plus strand (G>A on the coding strand, the complement: LAMA5 is on the minus strand). VCF-style: chr20-62326699-C-T. GRCh37 (hg19) VCF-style: chr20-60901755-C-T.
Other names: c.5276G>A (NM_005560.3); short protein forms R1759H.
Identifiers: ClinVar variation 1928150 (VCV001928150.4), dbSNP rs746320156, ClinGen allele CA9942254.
Genomic context (GRCh38, chr20:62,326,699, plus strand): 5'-CCATGAGGGACCTGGGTGCCCAAGCCAGCTCCCCTCACCTCCACCAGCTGCAGCTGCCCA[C>T]GGTGAACGTGGCCAGGCGTGGGGTATGCCGGCTCCAGGAATGTGATGCTCATCTGGTTGC-3'
Protein context (NP_005551.3, residues 1749-1769): PAYPTPGHVH[Arg1759His]GQLQLVEGNF

ClinVar aggregate classification (germline): Conflicting classifications of pathogenicity. Review status: criteria provided, conflicting classifications (1 of 4 stars). 2 submissions from 2 submitters: Uncertain significance (1); Likely benign (1). Last evaluated 2025-02-12.

Conditions:
Inborn genetic diseases. Identifiers: MedGen C0950123, MeSH D030342.

gnomAD v4.1: 63 of 1,612,694 alleles (0.0039%); highest among the groups gnomAD compares: East Asian, 0.027%; no homozygotes.

Submissions (2):

Ambry Genetics
Classification: Likely benign for Inborn genetic diseases. Last evaluated: 2025-02-12. Review status: criteria provided, single submitter. Criteria: Ambry Variant Classification Scheme 2023. Collection method: clinical testing. Allele origin: germline.

Labcorp Genetics (formerly Invitae), Labcorp
Classification: Uncertain significance. Last evaluated: 2022-03-29. Review status: criteria provided, single submitter. Criteria: Invitae Variant Classification Sherloc (09022015). Collection method: clinical testing. Allele origin: germline.
Comment: In summary, the available evidence is currently insufficient to determine the role of this variant in disease. Therefore, it has been classified as a Variant of Uncertain Significance. Algorithms developed to predict the effect of missense changes on protein structure and function output the following: SIFT: "Tolerated"; PolyPhen-2: "Benign"; Align-GVGD: "Class C0". The histidine amino acid residue is found in multiple mammalian species, which suggests that this missense change does not adversely affect protein function. This variant has not been reported in the literature in individuals affected with LAMA5-related conditions. This variant is present in population databases (rs746320156, gnomAD 0.06%). This sequence change replaces arginine, which is basic and polar, with histidine, which is basic and polar, at codon 1759 of the LAMA5 protein (p.Arg1759His).